The following is an entry in ClinVar:

NM_001939.3(DRP2):c.978G>A (p.Ala326=)

Gene: DRP2 (dystrophin related protein 2; plus strand). Cytogenetic location: Xq22.1.
Variant type: single nucleotide variant.
Coding change: c.978G>A on transcript NM_001939.3 (MANE Select); coding-DNA position 978, G replaced by A.
Protein change: p.Ala326=; no amino-acid change (alanine 326 retained).
Molecular consequence: synonymous variant.
Genome position (GRCh38, 1-based): chrX:101,242,906, G>A. VCF-style: chrX-101242906-G-A. GRCh37 (hg19) VCF-style: chrX-100497895-G-A.
Other names: c.744G>A, p.Ala248= (NM_001171184.2).
Identifiers: ClinVar variation 2896190 (VCV002896190.4), dbSNP rs765838575, ClinGen allele CA10472164.

ClinVar aggregate classification (germline): Conflicting classifications of pathogenicity. Review status: criteria provided, conflicting classifications (1 of 4 stars). 2 submissions from 2 submitters: Uncertain significance (1); Likely benign (1). Last evaluated 2025-07-03.

Allele frequency attached by ClinVar (database versions not stated): gnomAD exomes 0.00003; gnomAD 0.00001; TOPMed 0.00001; ExAC 0.00003.
gnomAD v4.1: 32 of 1,208,010 alleles (0.0026%); highest among the groups gnomAD compares: South Asian, 0.032%; no homozygotes.

Submissions (2):

Labcorp Genetics (formerly Invitae), Labcorp
Classification: Likely benign. Last evaluated: 2025-07-03. Review status: criteria provided, single submitter. Criteria: Invitae Variant Classification Sherloc (09022015). Collection method: clinical testing. Allele origin: germline.

Women's Health and Genetics/Laboratory Corporation of America, LabCorp
Classification: Uncertain significance. Last evaluated: 2025-02-05. Review status: criteria provided, single submitter. Criteria: LabCorp Variant Classification Summary - May 2015. Collection method: clinical testing. Allele origin: germline.
Comment: Variant summary: DRP2 c.978G>A (p.Ala326Ala) alters a non-conserved nucleotide located close to a canonical splice site and therefore could affect mRNA splicing, leading to a significantly altered protein sequence. Consensus agreement among computation tools predict no significant impact on normal splicing. However, these predictions have yet to be confirmed by functional studies. The variant allele was found at a frequency of 2.7e-05 in 182685 control chromosomes, including 5 hemizygotes. The available data on variant occurrences in the general population are insufficient to allow any conclusion about variant significance. To our knowledge, no occurrence of c.978G>A in individuals affected with Charcot-Marie-Tooth disease and no experimental evidence demonstrating its impact on protein function have been reported. ClinVar contains an entry for this variant (Variation ID: 2896190). Based on the evidence outlined above, the variant was classified as uncertain significance.